The following is an entry in ClinVar:

NM_000138.5(FBN1):c.8596dup (p.Ile2866fs)

Gene: FBN1 (fibrillin 1; minus strand). Cytogenetic location: 15q21.1.
Variant type: Duplication.
Coding change: c.8596dup on transcript NM_000138.5 (MANE Select); coding-DNA position 8596, one base duplicated (A; older notation c.8596dupA).
Protein change: p.Ile2866fs; shifts the reading frame from isoleucine 2866.
Molecular consequence: frameshift variant.
Genome position (GRCh38, 1-based): chr15:48,411,010, T duplicated on the plus strand (A on the coding strand, the reverse complement: FBN1 is on the minus strand); the first of 4 consecutive T bases (chr15:48,411,010-48,411,013); duplicating any one gives the same sequence. VCF-style (leftmost placement, unchanged base first): chr15-48411009-A-AT. GRCh37 (hg19) VCF-style: chr15-48703206-A-AT.
Other names: short protein forms I2866fs.
Identifiers: ClinVar variation 803078 (VCV000803078.32), dbSNP rs1597506547, ClinGen allele CA915946620.

ClinVar aggregate classification (germline): Likely pathogenic. Review status: criteria provided, multiple submitters, no conflicts (2 of 4 stars). 2 submissions from 2 submitters: Likely pathogenic (2). Last evaluated 2022-10-01.

Conditions:
Marfan syndrome (MFS). Also called: FBN1-Related Marfan Syndrome; Marfan's syndrome; MARFAN SYNDROME, TYPE I; Marfan syndrome type 1; Marfan syndrome, classic. Identifiers: Orphanet 284963, Orphanet 558, MedGen C0024796, MONDO:0007947, OMIM 154700.

Submissions (2):

CeGaT Center for Human Genetics Tuebingen
Classification: Likely pathogenic. Last evaluated: 2022-10-01. Review status: criteria provided, single submitter. Criteria: CeGaT Center For Human Genetics Tuebingen Variant Classification Criteria Version 2. Collection method: clinical testing. Allele origin: germline. Affected: yes. Observed: 1 variant allele.
Comment: FBN1: PM2, PM6, PVS1:Moderate

Mendelics
Classification: Likely pathogenic for Marfan syndrome. Last evaluated: 2019-05-28. Review status: criteria provided, single submitter. Criteria: Mendelics Assertion Criteria 2017. Collection method: clinical testing. Allele origin: unknown.